The following is an entry in ClinVar:

NM_033004.4(NLRP1):c.3881G>C (p.Gly1294Ala)

Gene: NLRP1 (NLR family pyrin domain containing 1; minus strand). Cytogenetic location: 17p13.2.
Variant type: single nucleotide variant.
Coding change: c.3881G>C on transcript NM_033004.4 (MANE Select); coding-DNA position 3881, G replaced by C.
Protein change: p.Gly1294Ala; replaces glycine 1294 with alanine.
Molecular consequence: missense variant. On other transcripts: intron variant (2).
Genome position (GRCh38, 1-based): chr17:5,520,915, C>G on the plus strand (G>C on the coding strand, the complement: NLRP1 is on the minus strand). VCF-style: chr17-5520915-C-G. GRCh37 (hg19) VCF-style: chr17-5424235-C-G.
Other names: c.3783+609G>C (NM_014922.5); c.3893G>C, p.Gly1298Ala (NM_001033053.3); c.3791G>C, p.Gly1264Ala (NM_033006.4); c.3693+609G>C (NM_033007.4); short protein forms G1264A, G1294A, G1298A.
Identifiers: ClinVar variation 3611408 (VCV003611408.2).

ClinVar aggregate classification (germline): Uncertain significance (1 of 4 stars; one submission).

gnomAD v4.1: 18 of 1,610,958 alleles (0.0011%); highest among the groups gnomAD compares: Non-Finnish European, 0.0015%; no homozygotes.

Submission:

Labcorp Genetics (formerly Invitae), Labcorp
Classification: Uncertain significance. Last evaluated: 2025-05-12. Review status: criteria provided, single submitter. Criteria: Invitae Variant Classification Sherloc (09022015). Collection method: clinical testing. Allele origin: germline.
Comment: This sequence change replaces glycine, which is neutral and non-polar, with alanine, which is neutral and non-polar, at codon 1294 of the NLRP1 protein (p.Gly1294Ala). This variant is present in population databases (rs370329115, gnomAD 0.003%). This variant has not been reported in the literature in individuals affected with NLRP1-related conditions. ClinVar contains an entry for this variant (Variation ID: 3611408). An algorithm developed to predict the effect of missense changes on protein structure and function (PolyPhen-2) suggests that this variant is likely to be tolerated. In summary, the available evidence is currently insufficient to determine the role of this variant in disease. Therefore, it has been classified as a Variant of Uncertain Significance.